The following is an entry in ClinVar:

NM_001099678.2(LRRC58):c.506A>G (p.Glu169Gly)

Gene: LRRC58 (leucine rich repeat containing 58; minus strand). Cytogenetic location: 3q13.33.
Variant type: single nucleotide variant.
Coding change: c.506A>G on transcript NM_001099678.2 (MANE Select); coding-DNA position 506, A replaced by G.
Protein change: p.Glu169Gly; replaces glutamic acid 169 with glycine.
Molecular consequence: missense variant.
Genome position (GRCh38, 1-based): chr3:120,335,948, T>C on the plus strand (A>G on the coding strand, the complement: LRRC58 is on the minus strand). VCF-style: chr3-120335948-T-C. GRCh37 (hg19) VCF-style: chr3-120054795-T-C.
Other names: NC_000003.11:g.120054795T>C; short protein forms E169G.
Identifiers: ClinVar variation 2654060 (VCV002654060.25), dbSNP rs140152656, ClinGen allele CA2559250.

ClinVar aggregate classification (germline): Likely benign (1 of 4 stars; one submission).

Allele frequency attached by ClinVar (database versions not stated): 1000 Genomes Project 30x 0.00141; 1000 Genomes Project 0.00160; gnomAD 0.00319; TOPMed 0.00324; ExAC 0.00355; gnomAD exomes 0.00465; ESP Exome Variant Server 0.00487.

Submissions (14):

CeGaT Center for Human Genetics Tuebingen
Classification: Likely benign. Last evaluated: 2022-12-01. Review status: criteria provided, single submitter. Criteria: CeGaT Center For Human Genetics Tuebingen Variant Classification Criteria Version 2. Collection method: clinical testing. Allele origin: germline. Affected: yes. Observed: 1 variant allele.
Comment: LRRC58: BS2

Dr. Peter K. Rogan Lab, Western University
No classification provided (evidence only). Condition: Malignant tumor of urinary bladder. Review status: no classification provided. Collection method: in vitro. Allele origin: not applicable. Functional consequence: skipped exon, retained intron. Not counted in ClinVar's aggregate classification.

Dr. Peter K. Rogan Lab, Western University
No classification provided (evidence only). Condition: Malignant tumor of urinary bladder. Review status: no classification provided. Collection method: in vitro. Allele origin: not applicable. Functional consequence: retained intron. Not counted in ClinVar's aggregate classification.

Dr. Peter K. Rogan Lab, Western University
No classification provided (evidence only). Condition: Clear cell carcinoma of kidney. Review status: no classification provided. Collection method: in vitro. Allele origin: not applicable. Functional consequence: skipped exon. Not counted in ClinVar's aggregate classification.

Dr. Peter K. Rogan Lab, Western University
No classification provided (evidence only). Condition: Lung cancer. Review status: no classification provided. Collection method: in vitro. Allele origin: not applicable. Functional consequence: retained intron. Not counted in ClinVar's aggregate classification.

Dr. Peter K. Rogan Lab, Western University
No classification provided (evidence only). Condition: Familial cancer of breast. Review status: no classification provided. Collection method: in vitro. Allele origin: not applicable. Functional consequence: skipped exon, retained intron. Not counted in ClinVar's aggregate classification.

Dr. Peter K. Rogan Lab, Western University
No classification provided (evidence only). Condition: Familial cancer of breast. Review status: no classification provided. Collection method: in vitro. Allele origin: not applicable. Functional consequence: skipped exon, retained intron. Not counted in ClinVar's aggregate classification.

Dr. Peter K. Rogan Lab, Western University
No classification provided (evidence only). Condition: Acute myeloid leukemia. Review status: no classification provided. Collection method: in vitro. Allele origin: not applicable. Functional consequence: skipped exon, retained intron. Not counted in ClinVar's aggregate classification.

Dr. Peter K. Rogan Lab, Western University
No classification provided (evidence only). Condition: Thyroid cancer, nonmedullary, 1. Review status: no classification provided. Collection method: in vitro. Allele origin: not applicable. Functional consequence: skipped exon. Not counted in ClinVar's aggregate classification.

Dr. Peter K. Rogan Lab, Western University
No classification provided (evidence only). Condition: Cervical cancer. Review status: no classification provided. Collection method: in vitro. Allele origin: not applicable. Functional consequence: retained intron. Not counted in ClinVar's aggregate classification.

Dr. Peter K. Rogan Lab, Western University
No classification provided (evidence only). Condition: Sarcoma. Review status: no classification provided. Collection method: in vitro. Allele origin: not applicable. Functional consequence: retained intron. Not counted in ClinVar's aggregate classification.

Dr. Peter K. Rogan Lab, Western University
No classification provided (evidence only). Condition: Sarcoma. Review status: no classification provided. Collection method: in vitro. Allele origin: not applicable. Functional consequence: retained intron. Not counted in ClinVar's aggregate classification.

Dr. Peter K. Rogan Lab, Western University
No classification provided (evidence only). Condition: Ovarian serous cystadenocarcinoma. Review status: no classification provided. Collection method: in vitro. Allele origin: not applicable. Functional consequence: retained intron. Not counted in ClinVar's aggregate classification.

Dr. Peter K. Rogan Lab, Western University
No classification provided (evidence only). Condition: Malignant tumor of esophagus. Review status: no classification provided. Collection method: in vitro. Allele origin: not applicable. Functional consequence: skipped exon. Not counted in ClinVar's aggregate classification.